The following is an entry in ClinVar:

ClinVar aggregate classification (germline): Uncertain significance. Review status: criteria provided, multiple submitters, no conflicts (2 of 4 stars). 4 submissions from 4 submitters: Uncertain significance (4). Last evaluated 2025-12-01.

Conditions:
Hereditary cancer-predisposing syndrome. Also called: Neoplastic Syndromes, Hereditary; Tumor predisposition; Hereditary Cancer Syndrome; Hereditary neoplastic syndrome. Identifiers: Orphanet 140162, MedGen C0027672, MeSH D009386, MONDO:0015356.
Endometrial carcinoma. Also called: Endometrial carcinoma, somatic. Identifiers: MedGen C0476089, MONDO:0002447, OMIM 608089, HP:0012114.

Allele frequency attached by ClinVar (database versions not stated): gnomAD exomes below 0.00001.
gnomAD v4.1: 1 of 1,613,894 alleles (0.000062%); highest among the groups gnomAD compares: Admixed American, 0.0017%; no homozygotes.

Submissions (4):

Labcorp Genetics (formerly Invitae), Labcorp
Classification: Uncertain significance. Last evaluated: 2025-12-01. Review status: criteria provided, single submitter. Criteria: Invitae Variant Classification Sherloc (09022015). Collection method: clinical testing. Allele origin: germline.
Comment: This sequence change replaces threonine, which is neutral and polar, with isoleucine, which is neutral and non-polar, at codon 567 of the MSH3 protein (p.Thr567Ile). This variant is present in population databases (no rsID available, gnomAD 0.003%). This variant has not been reported in the literature in individuals affected with MSH3-related conditions. ClinVar contains an entry for this variant (Variation ID: 819864). An algorithm developed to predict the effect of missense changes on protein structure and function (PolyPhen-2) suggests that this variant is likely to be disruptive. In summary, the available evidence is currently insufficient to determine the role of this variant in disease. Therefore, it has been classified as a Variant of Uncertain Significance.

Blueprint Genetics
Classification: Uncertain significance. Last evaluated: 2024-07-23. Review status: criteria provided, single submitter. Criteria: ACMG Guidelines, 2015. Collection method: clinical testing. Allele origin: germline.

Ambry Genetics
Classification: Uncertain significance for Hereditary cancer-predisposing syndrome. Last evaluated: 2023-12-30. Review status: criteria provided, single submitter. Criteria: Ambry Variant Classification Scheme 2023. Collection method: clinical testing. Allele origin: germline.
Comment: The p.T567I variant (also known as c.1700C>T), located in coding exon 12 of the MSH3 gene, results from a C to T substitution at nucleotide position 1700. The threonine at codon 567 is replaced by isoleucine, an amino acid with similar properties. This amino acid position is highly conserved in available vertebrate species. In addition, this alteration is predicted to be deleterious by in silico analysis. Since supporting evidence is limited at this time, the clinical significance of this alteration remains unclear.

Baylor Genetics
Classification: Uncertain significance for Endometrial carcinoma. Last evaluated: 2023-08-24. Review status: criteria provided, single submitter. Criteria: ACMG Guidelines, 2015. Collection method: clinical testing. Allele origin: unknown.

NM_002439.5(MSH3):c.1700C>T (p.Thr567Ile)

Gene: MSH3 (mutS homolog 3; plus strand). Cytogenetic location: 5q14.1.
Variant type: single nucleotide variant.
Coding change: c.1700C>T on transcript NM_002439.5 (MANE Select); coding-DNA position 1700, C replaced by T.
Protein change: p.Thr567Ile; replaces threonine 567 with isoleucine.
Molecular consequence: missense variant.
Genome position (GRCh38, 1-based): chr5:80,744,552, C>T. VCF-style: chr5-80744552-C-T. GRCh37 (hg19) VCF-style: chr5-80040371-C-T.
Other names: short protein forms T567I.
Identifiers: ClinVar variation 819864 (VCV000819864.14), dbSNP rs945510244, ClinGen allele CA121301424.
Genomic context (GRCh38, chr5:80,744,552, plus strand): 5'-CTGGTCTTTCTTAGACTGATATGAAAACCAAAGGAAGTTTGCTGTGGGTTTTAGACCACA[C>T]TAAAACTTCATTTGGGAGACGGAAGTTAAAGAAGTGGGTGACCCAGCCACTCCTTAAATT-3'
Protein context (NP_002430.3, residues 557-577): KGSLLWVLDH[Thr567Ile]KTSFGRRKLK